The following is an entry in ClinVar:

NM_001267550.2(TTN):c.106403T>A (p.Leu35468His)

Genes: TTN (titin; minus strand), TTN-AS1 (TTN antisense RNA 1; plus strand). Cytogenetic location: 2q31.2.
Variant type: single nucleotide variant.
Coding change: c.106403T>A on transcript NM_001267550.2 (MANE Select); coding-DNA position 106403, T replaced by A.
Protein change: p.Leu35468His; replaces leucine 35468 with histidine.
Molecular consequence: missense variant.
Genome position (GRCh38, 1-based): chr2:178,530,088, A>T on the plus strand (T>A on the coding strand, the complement: TTN is on the minus strand). VCF-style: chr2-178530088-A-T. GRCh37 (hg19) VCF-style: chr2-179394815-A-T.
Other names: c.106403T>A (LRG_391t1); c.101480T>A, p.Leu33827His (NM_001256850.1); c.79208T>A, p.Leu26403His (NM_003319.4); c.98699T>A, p.Leu32900His (NM_133378.4); c.79583T>A, p.Leu26528His (NM_133432.3); c.79784T>A, p.Leu26595His (NM_133437.4); short protein forms L35468H, L32900H, L33827H, L26403H, L26528H, L26595H.
Identifiers: ClinVar variation 265825 (VCV000265825.11), dbSNP rs952475900, ClinGen allele CA60953065.
Genomic context (GRCh38, chr2:178,530,088, plus strand): 5'-CCACTGTCAGAAGTATCAGTCTTATGAATTTCTAAGAAGAACCCTCCCTTGTCTTCAGAG[A>T]GTTTATATTTACCTCCTTGTGTAATGGCCTGTAGAATGCAAATGATTTGTGTTTTAAAAA-3'
Protein context (NP_001254479.2, residues 35458-35478): KAITQGGKYK[Leu35468His]SEDKGGFFLE

ClinVar aggregate classification (germline): Uncertain significance. Review status: criteria provided, multiple submitters, no conflicts (2 of 4 stars). 3 submissions from 3 submitters: Uncertain significance (2). 1 of the submissions does not count toward it. Last evaluated 2025-10-21.

Conditions:
Dilated cardiomyopathy 1G (CMD1G). Identifiers: Orphanet 154, MedGen C1858763, MONDO:0011400, OMIM 604145.
Autosomal recessive limb-girdle muscular dystrophy type 2J (LGMDR10). Also called: Limb-girdle muscular dystrophy, type 2J; MUSCULAR DYSTROPHY, LIMB-GIRDLE, AUTOSOMAL RECESSIVE 10. Identifiers: Orphanet 140922, MedGen C1837342, MONDO:0012127, OMIM 608807.
Tibial muscular dystrophy (TMD). Also called: UDD MYOPATHY; Udd Distal Myopathy – Tibial Muscular Dystrophy; Tibial muscular dystrophy, tardive. Identifiers: Orphanet 609, MedGen C1838244, MONDO:0010870, OMIM 600334.
Early-onset myopathy with fatal cardiomyopathy (CMYO5). Also called: Salih Myopathy; CONGENITAL MYOPATHY 5 WITH CARDIOMYOPATHY. Identifiers: Orphanet 289377, MedGen C2673677, MONDO:0012714, OMIM 611705. Disease mechanism: loss of function.
Hypertrophic cardiomyopathy 9. Also called: Familial hypertrophic cardiomyopathy 9. Identifiers: MedGen C1861065, MONDO:0013412, OMIM 613765.
Myopathy, myofibrillar, 9, with early respiratory failure (MFM9). Also called: Hereditary myopathy with early respiratory failure; EDSTROM MYOPATHY; MYOPATHY, PROXIMAL, WITH EARLY RESPIRATORY MUSCLE INVOLVEMENT; Myopathy, distal, with early respiratory failure, autosomal dominant. Identifiers: Orphanet 178464, Orphanet 34521, MedGen C1863599, MONDO:0011362, OMIM 603689.
Dilated cardiomyopathy 1S (CMD1S). Identifiers: Orphanet 154, Orphanet 54260, MedGen C1834481, MONDO:0013262, OMIM 613426.

Allele frequency attached by ClinVar (database versions not stated): gnomAD exomes 0.00001.
gnomAD v4.1: 29 of 1,606,928 alleles (0.0018%); highest among the groups gnomAD compares: Non-Finnish European, 0.0024%; no homozygotes.

Submissions (3):

Labcorp Genetics (formerly Invitae), Labcorp
Classification: Uncertain significance for Dilated cardiomyopathy 1G; Autosomal recessive limb-girdle muscular dystrophy type 2J. Last evaluated: 2025-10-21. Review status: criteria provided, single submitter. Criteria: Invitae Variant Classification Sherloc (09022015). Collection method: clinical testing. Allele origin: germline.
Comment: This sequence change replaces leucine, which is neutral and non-polar, with histidine, which is basic and polar, at codon 35468 of the TTN protein (p.Leu35468His). This variant is present in population databases (no rsID available, gnomAD 0.002%). This missense change has been observed in individual(s) with dilated cardiomyopathy (PMID: 29253866). ClinVar contains an entry for this variant (Variation ID: 265825). Experimental studies and prediction algorithms are not available or were not evaluated, and the functional significance of this variant is currently unknown. This variant is located in the M band of TTN (PMID: 25589632). Non-truncating variants in this region may be relevant for neuromuscular disorders, but have not been definitively shown to cause cardiomyopathy (PMID: 23975875). In summary, the available evidence is currently insufficient to determine the role of this variant in disease. Therefore, it has been classified as a Variant of Uncertain Significance.

Fulgent Genetics
Classification: Uncertain significance for Tibial muscular dystrophy; Myopathy, myofibrillar, 9, with early respiratory failure; Dilated cardiomyopathy 1G; Autosomal recessive limb-girdle muscular dystrophy type 2J; Early-onset myopathy with fatal cardiomyopathy; Hypertrophic cardiomyopathy 9. Last evaluated: 2021-10-25. Review status: criteria provided, single submitter. Criteria: ACMG Guidelines, 2015. Collection method: clinical testing. Allele origin: unknown.

Institut für Laboratoriums- und Transfusionsmedizin, Herz- und Diabeteszentrum Nordrhein-Westfalen
Classification: Uncertain significance for Dilated cardiomyopathy 1S. Last evaluated: 2016-05-01. Review status: no assertion criteria provided. Collection method: clinical testing. Allele origin: germline. Affected: yes. Observed: 1 variant allele. Not counted in ClinVar's aggregate classification.

Literature cited by the submitters: PubMed 29253866 (cited by Labcorp Genetics (formerly Invitae), Labcorp); PubMed 25589632 (cited by Labcorp Genetics (formerly Invitae), Labcorp); PubMed 23975875 (cited by Labcorp Genetics (formerly Invitae), Labcorp).